The following is an entry in ClinVar:

NM_000070.3(CAPN3):c.561T>C (p.Asn187=)

Gene: CAPN3 (calpain 3; plus strand). Cytogenetic location: 15q15.1.
Variant type: single nucleotide variant.
Coding change: c.561T>C on transcript NM_000070.3 (MANE Select); coding-DNA position 561, T replaced by C.
Protein change: p.Asn187=; no amino-acid change (asparagine 187 retained).
Molecular consequence: synonymous variant.
Genome position (GRCh38, 1-based): chr15:42,387,815, T>C. VCF-style: chr15-42387815-T-C. GRCh37 (hg19) VCF-style: chr15-42680013-T-C.
Other names: p.Asn187=; c.561T>C, p.Asn187= (NM_024344.2, NM_173087.2).
Identifiers: ClinVar variation 1158370 (VCV001158370.10), dbSNP rs750787615, ClinGen allele CA7511059.
Genomic context (GRCh38, chr15:42,387,815, plus strand): 5'-CTGGCGCTATGGAGAGTGGGTGGACGTGGTTATAGATGACTGCCTGCCAACGTACAACAA[T>C]CAACTGGTTTTCACCAAGTCCAACCACCGCAATGAGTTCTGGAGTGCTCTGCTGGAGAAG-3'
Protein context (NP_000061.1, residues 177-197): VIDDCLPTYN[Asn187=]QLVFTKSNHR

ClinVar aggregate classification (germline): Likely benign. Review status: criteria provided, multiple submitters, no conflicts (2 of 4 stars). 2 submissions from 2 submitters: Likely benign (2). Last evaluated 2025-09-22.

Conditions:
Autosomal recessive limb-girdle muscular dystrophy type 2A (LGMDR1). Also called: Limb-girdle muscular dystrophy, type 2A; Muscular dystrophy, limb-girdle, type 2A, Amish; LEYDEN-MOEBIUS MUSCULAR DYSTROPHY; MUSCULAR DYSTROPHY, PELVOFEMORAL; Calpainopathy. Identifiers: Orphanet 267, MedGen C1869123, MONDO:0009675, OMIM 253600. Disease mechanism: loss of function.

Allele frequency attached by ClinVar (database versions not stated): gnomAD exomes below 0.00001 and 0.00001; ExAC 0.00001; TOPMed 0.00001.
gnomAD v4.1: 7 of 1,614,152 alleles (0.00043%); highest among the groups gnomAD compares: Admixed American, 0.012%; no homozygotes.

Submissions (2):

Labcorp Genetics (formerly Invitae), Labcorp
Classification: Likely benign for Autosomal recessive limb-girdle muscular dystrophy type 2A. Last evaluated: 2025-09-22. Review status: criteria provided, single submitter. Criteria: Invitae Variant Classification Sherloc (09022015). Collection method: clinical testing. Allele origin: germline.

Mayo Clinic Laboratories, Mayo Clinic
Classification: Likely benign. Last evaluated: 2025-06-09. Review status: criteria provided, single submitter. Criteria: ACMG Guidelines, 2015. Collection method: clinical testing. Allele origin: germline. Observed: 1 variant allele.
Comment: BP4, BP7